The following is an entry in ClinVar:

ClinVar aggregate classification (germline): Uncertain significance (1 of 4 stars; one submission).

Submission:

Labcorp Genetics (formerly Invitae), Labcorp
Classification: Uncertain significance. Last evaluated: 2022-08-23. Review status: criteria provided, single submitter. Criteria: Invitae Variant Classification Sherloc (09022015). Collection method: clinical testing. Allele origin: germline.
Comment: In summary, the available evidence is currently insufficient to determine the role of this variant in disease. Therefore, it has been classified as a Variant of Uncertain Significance. Variants that disrupt the consensus splice site are a relatively common cause of aberrant splicing (PMID: 17576681, 9536098). Algorithms developed to predict the effect of sequence changes on RNA splicing suggest that this variant is not likely to affect RNA splicing. ClinVar contains an entry for this variant (Variation ID: 1383672). This variant has not been reported in the literature in individuals affected with ISCA2-related conditions. This variant is not present in population databases (gnomAD no frequency). This sequence change falls in intron 3 of the ISCA2 gene. It does not directly change the encoded amino acid sequence of the ISCA2 protein. It affects a nucleotide within the consensus splice site.

Literature cited by the submitters: PubMed 17576681; PubMed 9536098.

NM_194279.4(ISCA2):c.291-3C>T

Gene: ISCA2 (iron-sulfur cluster assembly 2; plus strand). Cytogenetic location: 14q24.3.
Variant type: single nucleotide variant.
Coding change: c.291-3C>T on transcript NM_194279.4 (MANE Select); 3 bases into the intron before coding-DNA position 291, C replaced by T.
Molecular consequence: intron variant.
Genome position (GRCh38, 1-based): chr14:74,494,823, C>T. VCF-style: chr14-74494823-C-T. GRCh37 (hg19) VCF-style: chr14-74961526-C-T.
Other names: c.175-3C>T (NM_001272007.2).
Identifiers: ClinVar variation 1383672 (VCV001383672.6), dbSNP rs2139679025, ClinGen allele CA2573150183.